The following is an entry in ClinVar:

ClinVar aggregate classification (germline): Uncertain significance (1 of 4 stars; one submission).

Submission:

Labcorp Genetics (formerly Invitae), Labcorp
Classification: Uncertain significance. Last evaluated: 2022-05-25. Review status: criteria provided, single submitter. Criteria: Invitae Variant Classification Sherloc (09022015). Collection method: clinical testing. Allele origin: germline.
Comment: This sequence change replaces proline, which is neutral and non-polar, with serine, which is neutral and polar, at codon 2181 of the SPEG protein (p.Pro2181Ser). In summary, the available evidence is currently insufficient to determine the role of this variant in disease. Therefore, it has been classified as a Variant of Uncertain Significance. Algorithms developed to predict the effect of missense changes on protein structure and function (SIFT, PolyPhen-2, Align-GVGD) all suggest that this variant is likely to be tolerated. This variant has not been reported in the literature in individuals affected with SPEG-related conditions. This variant is not present in population databases (gnomAD no frequency).

NM_005876.5(SPEG):c.6541C>T (p.Pro2181Ser)

Genes: ASIC4-AS1 (ASIC4 antisense RNA 1; minus strand), SPEG (striated muscle enriched protein kinase; plus strand). Cytogenetic location: 2q35.
Variant type: single nucleotide variant.
Coding change: c.6541C>T on transcript NM_005876.5 (MANE Select); coding-DNA position 6541, C replaced by T.
Protein change: p.Pro2181Ser; replaces proline 2181 with serine.
Molecular consequence: missense variant.
Genome position (GRCh38, 1-based): chr2:219,484,004, C>T. VCF-style: chr2-219484004-C-T. GRCh37 (hg19) VCF-style: chr2-220348726-C-T.
Other names: short protein forms P2181S.
Identifiers: ClinVar variation 1999257 (VCV001999257.4), dbSNP rs778344864, ClinGen allele CA350698220.